The following is an entry in ClinVar:

ClinVar aggregate classification (germline): Uncertain significance (1 of 4 stars; one submission).

Allele frequency attached by ClinVar (database versions not stated): gnomAD exomes below 0.00001.
gnomAD v4.1: 1 of 1,604,992 alleles (0.000062%); highest among the groups gnomAD compares: South Asian, 0.0011%; no homozygotes.

Submission:

Labcorp Genetics (formerly Invitae), Labcorp
Classification: Uncertain significance. Last evaluated: 2022-08-15. Review status: criteria provided, single submitter. Criteria: Invitae Variant Classification Sherloc (09022015). Collection method: clinical testing. Allele origin: germline.
Comment: This sequence change replaces glycine, which is neutral and non-polar, with serine, which is neutral and polar, at codon 329 of the RHOBTB2 protein (p.Gly329Ser). This variant is not present in population databases (gnomAD no frequency). This variant has not been reported in the literature in individuals affected with RHOBTB2-related conditions. ClinVar contains an entry for this variant (Variation ID: 1366595). Algorithms developed to predict the effect of missense changes on protein structure and function (SIFT, PolyPhen-2, Align-GVGD) all suggest that this variant is likely to be tolerated. In summary, the available evidence is currently insufficient to determine the role of this variant in disease. Therefore, it has been classified as a Variant of Uncertain Significance.

NM_015178.3(RHOBTB2):c.919G>A (p.Gly307Ser)

Gene: RHOBTB2 (Rho related BTB domain containing 2; plus strand). Cytogenetic location: 8p21.3.
Variant type: single nucleotide variant.
Coding change: c.919G>A on transcript NM_015178.3 (MANE Select); coding-DNA position 919, G replaced by A.
Protein change: p.Gly307Ser; replaces glycine 307 with serine.
Molecular consequence: missense variant.
Genome position (GRCh38, 1-based): chr8:23,007,164, G>A. VCF-style: chr8-23007164-G-A. GRCh37 (hg19) VCF-style: chr8-22864677-G-A.
Other names: c.985G>A, p.Gly329Ser (NM_001160036.2); c.940G>A, p.Gly314Ser (NM_001160037.2); c.919G>A, p.Gly307Ser (NM_001374791.1); short protein forms G314S, G329S, G307S.
Identifiers: ClinVar variation 1366595 (VCV001366595.8), dbSNP rs751243247, ClinGen allele CA370566549.